The following is an entry in ClinVar:

ClinVar aggregate classification (germline): Uncertain significance (1 of 4 stars; one submission).

gnomAD v4.1: 3 of 1,614,024 alleles (0.00019%); highest among the groups gnomAD compares: Non-Finnish European, 0.00025%; no homozygotes.

Submission:

Labcorp Genetics (formerly Invitae), Labcorp
Classification: Uncertain significance. Last evaluated: 2025-12-17. Review status: criteria provided, single submitter. Criteria: Invitae Variant Classification Sherloc (09022015). Collection method: clinical testing. Allele origin: germline.
Comment: This sequence change replaces arginine, which is basic and polar, with glycine, which is neutral and non-polar, at codon 3964 of the HMCN1 protein (p.Arg3964Gly). This variant is present in population databases (rs750980749, gnomAD 0.0009%). This variant has not been reported in the literature in individuals affected with HMCN1-related conditions. An algorithm developed to predict the effect of missense changes on protein structure and function (PolyPhen-2) suggests that this variant is likely to be tolerated. In summary, the available evidence is currently insufficient to determine the role of this variant in disease. Therefore, it has been classified as a Variant of Uncertain Significance.

NM_031935.3(HMCN1):c.11890A>G (p.Arg3964Gly)

Gene: HMCN1 (hemicentin 1; plus strand). Cytogenetic location: 1q31.1.
Variant type: single nucleotide variant.
Coding change: c.11890A>G on transcript NM_031935.3 (MANE Select); coding-DNA position 11890, A replaced by G.
Protein change: p.Arg3964Gly; replaces arginine 3964 with glycine.
Molecular consequence: missense variant.
Genome position (GRCh38, 1-based): chr1:186,119,232, A>G. VCF-style: chr1-186119232-A-G. GRCh37 (hg19) VCF-style: chr1-186088364-A-G.
Other names: short protein forms R3964G.
Identifiers: ClinVar variation 4749644 (VCV004749644.1).
Genomic context (GRCh38, chr1:186,119,232, plus strand): 5'-CATTTTTTTTCATTTTTAGGAGCAATTGAAATACTTGCCACCCAATTAAACCATGCTGGA[A>G]GATACACTTGTGTCGCTAGGAATGCGGCTGGCTCTGCACATCGACACGTGACCCTTCATG-3'
Protein context (NP_114141.2, residues 3954-3974): ILATQLNHAG[Arg3964Gly]YTCVARNAAG